The following is an entry in ClinVar:

NM_001081550.2(THOC2):c.4538A>G (p.Lys1513Arg)

Gene: THOC2 (THO complex subunit 2; minus strand). Cytogenetic location: Xq25.
Variant type: single nucleotide variant.
Coding change: c.4538A>G on transcript NM_001081550.2 (MANE Select); coding-DNA position 4538, A replaced by G.
Protein change: p.Lys1513Arg; replaces lysine 1513 with arginine.
Molecular consequence: missense variant.
Genome position (GRCh38, 1-based): chrX:123,613,538, T>C on the plus strand (A>G on the coding strand, the complement: THOC2 is on the minus strand). VCF-style: chrX-123613538-T-C. GRCh37 (hg19) VCF-style: chrX-122747389-T-C.
Other names: short protein forms K1513R.
Identifiers: ClinVar variation 3375511 (VCV003375511.1).

ClinVar aggregate classification (germline): Uncertain significance (1 of 4 stars; one submission).

Submission:

GeneDx
Classification: Uncertain significance. Last evaluated: 2024-05-07. Review status: criteria provided, single submitter. Criteria: GeneDx Variant Classification Process June 2021. Collection method: clinical testing. Allele origin: germline. Affected: yes.
Comment: Not observed at significant frequency in large population cohorts (gnomAD); In silico analysis supports that this missense variant has a deleterious effect on protein structure/function; Has not been previously published as pathogenic or benign to our knowledge